The following is an entry in ClinVar:

ClinVar aggregate classification (germline): Pathogenic (1 of 4 stars; one submission).

Conditions:
Pontocerebellar hypoplasia type 1A (PCH1A). Also called: PONTOCEREBELLAR HYPOPLASIA WITH ANTERIOR HORN CELL DISEASE; PONTOCEREBELLAR HYPOPLASIA WITH INFANTILE SPINAL MUSCULAR ATROPHY. Identifiers: Orphanet 2254, Orphanet 88616, MedGen C1843504, MONDO:0011866, OMIM 607596.

Submission:

Myriad Genetics, Inc.
Classification: Pathogenic for Pontocerebellar hypoplasia type 1A. Last evaluated: 2024-11-24. Review status: criteria provided, single submitter. Criteria: Myriad Autosomal Dominant, Autosomal Recessive and X-Linked Classification Criteria (2023). Collection method: clinical testing. Allele origin: unknown.
Comment: NM_003384.2(VRK1):c.466C>T(Q156*) is expected to be pathogenic in the context of pontocerebellar hypoplasia, VRK1-related. This variant is predicted to lead to an abnormal or absent protein product due to the creation of a premature termination codon in VRK1, a gene where loss-of-function variants are known to be pathogenic. Please note: this variant was assessed in the context of healthy population screening.

NM_003384.3(VRK1):c.466C>T (p.Gln156Ter)

Gene: VRK1 (VRK serine/threonine kinase 1; plus strand). Cytogenetic location: 14q32.2.
Variant type: single nucleotide variant.
Coding change: c.466C>T on transcript NM_003384.3 (MANE Select); coding-DNA position 466, C replaced by T.
Protein change: p.Gln156Ter; replaces glutamine 156 with a stop codon.
Molecular consequence: nonsense.
Genome position (GRCh38, 1-based): chr14:96,852,922, C>T. VCF-style: chr14-96852922-C-T. GRCh37 (hg19) VCF-style: chr14-97319259-C-T.
Other names: c.466C>T, p.Gln156Ter (NM_001411051.1, NM_001411053.1); short protein forms Q156*.
Identifiers: ClinVar variation 5013801 (VCV005013801.1).
Genomic context (GRCh38, chr14:96,852,922, plus strand): 5'-AGTGACCTTCAGAAAATATATGAAGCAAATGCCAAAAGGTTTTCTCGGAAAACTGTCTTG[C>T]AGCTAAGCTTAAGAATTGTATGTGAGCTATGTTCTTCTTGTTTTTAAAAAATTGTTTTGA-3'